The following is an entry in ClinVar:

ClinVar aggregate classification (germline): Uncertain significance. Review status: criteria provided, multiple submitters, no conflicts (2 of 4 stars). 2 submissions from 2 submitters: Uncertain significance (2). Last evaluated 2024-08-12.

Conditions:
Arrhythmogenic right ventricular dysplasia 13. Also called: Arrhythmogenic right ventricular dysplasia, familial, 13; ARRHYTHMOGENIC RIGHT VENTRICULAR CARDIOMYOPATHY 13. Identifiers: MedGen C3810138, MONDO:0000908, OMIM 615616.

Allele frequency attached by ClinVar (database versions not stated): gnomAD exomes 0.00001; ExAC 0.00002.
gnomAD v4.1: 4 of 1,613,362 alleles (0.00025%); highest among the groups gnomAD compares: East Asian, 0.0022%; no homozygotes.

Submissions (2):

Labcorp Genetics (formerly Invitae), Labcorp
Classification: Uncertain significance for Arrhythmogenic right ventricular dysplasia 13. Last evaluated: 2024-08-12. Review status: criteria provided, single submitter. Criteria: Invitae Variant Classification Sherloc (09022015). Collection method: clinical testing. Allele origin: germline.
Comment: This sequence change replaces glutamine, which is neutral and polar, with lysine, which is basic and polar, at codon 893 of the CTNNA3 protein (p.Gln893Lys). This variant is present in population databases (rs750697572, gnomAD 0.006%). This variant has not been reported in the literature in individuals affected with CTNNA3-related conditions. ClinVar contains an entry for this variant (Variation ID: 1794615). Experimental studies and prediction algorithms are not available or were not evaluated, and the functional significance of this variant is currently unknown. In summary, the available evidence is currently insufficient to determine the role of this variant in disease. Therefore, it has been classified as a Variant of Uncertain Significance.

Ambry Genetics
Classification: Uncertain significance. Last evaluated: 2022-02-10. Review status: criteria provided, single submitter. Criteria: Ambry Variant Classification Scheme 2023. Collection method: clinical testing. Allele origin: germline.
Comment: The p.Q893K variant (also known as c.2677C>A), located in coding exon 17 of the CTNNA3 gene, results from a C to A substitution at nucleotide position 2677. The glutamine at codon 893 is replaced by lysine, an amino acid with similar properties. This amino acid position is conserved. In addition, this alteration is predicted to be tolerated by in silico analysis. Since supporting evidence is limited at this time, the clinical significance of this alteration remains unclear.

NM_013266.4(CTNNA3):c.2677C>A (p.Gln893Lys)

Gene: CTNNA3 (catenin alpha 3; minus strand). Cytogenetic location: 10q21.3.
Variant type: single nucleotide variant.
Coding change: c.2677C>A on transcript NM_013266.4 (MANE Select); coding-DNA position 2677, C replaced by A.
Protein change: p.Gln893Lys; replaces glutamine 893 with lysine.
Molecular consequence: missense variant.
Genome position (GRCh38, 1-based): chr10:65,920,341, G>T on the plus strand (C>A on the coding strand, the complement: CTNNA3 is on the minus strand). VCF-style: chr10-65920341-G-T. GRCh37 (hg19) VCF-style: chr10-67680099-G-T.
Other names: c.2677C>A, p.Gln893Lys (NM_001127384.3); short protein forms Q893K.
Identifiers: ClinVar variation 1794615 (VCV001794615.7), dbSNP rs750697572, ClinGen allele CA5519526.